The following is an entry in ClinVar:

NM_000322.5(PRPH2):c.655C>G (p.Pro219Ala)

Gene: PRPH2 (peripherin 2; minus strand). Cytogenetic location: 6p21.1.
Variant type: single nucleotide variant.
Coding change: c.655C>G on transcript NM_000322.5 (MANE Select); coding-DNA position 655, C replaced by G.
Protein change: p.Pro219Ala; replaces proline 219 with alanine.
Molecular consequence: missense variant.
Genome position (GRCh38, 1-based): chr6:42,704,538, G>C on the plus strand (C>G on the coding strand, the complement: PRPH2 is on the minus strand). VCF-style: chr6-42704538-G-C. GRCh37 (hg19) VCF-style: chr6-42672276-G-C.
Other names: short protein forms P219A.
Identifiers: ClinVar variation 2580761 (VCV002580761.1), dbSNP rs749603273, ClinGen allele CA364135491.

ClinVar aggregate classification (germline): Likely pathogenic (1 of 4 stars; one submission).

gnomAD v4.1: 3 of 1,614,174 alleles (0.00019%); highest among the groups gnomAD compares: Middle Eastern, 0.016%; no homozygotes.

Submission:

GeneDx
Classification: Likely pathogenic. Last evaluated: 2023-03-20. Review status: criteria provided, single submitter. Criteria: GeneDx Variant Classification Process June 2021. Collection method: clinical testing. Allele origin: germline. Affected: yes.
Comment: Not observed at significant frequency in large population cohorts (gnomAD); In silico analysis supports that this missense variant has a deleterious effect on protein structure/function; Has not been previously published as pathogenic or benign to our knowledge